The following is an entry in ClinVar:

NM_002473.6(MYH9):c.*329C>T

Gene: MYH9 (myosin heavy chain 9; minus strand). Cytogenetic location: 22q12.3.
Variant type: single nucleotide variant.
Coding change: c.*329C>T on transcript NM_002473.6 (MANE Select); 329 bases downstream of the stop codon, C replaced by T.
Molecular consequence: 3 prime UTR variant.
Genome position (GRCh38, 1-based): chr22:36,282,339, G>A on the plus strand (C>T on the coding strand, the complement: MYH9 is on the minus strand). VCF-style: chr22-36282339-G-A. GRCh37 (hg19) VCF-style: chr22-36678385-G-A.
Identifiers: ClinVar variation 341478 (VCV000341478.5), dbSNP rs566336121, ClinGen allele CA10651250.

ClinVar aggregate classification (germline): Benign/Likely benign. Review status: criteria provided, single submitter (1 of 4 stars). 2 submissions from 1 submitter: Benign (1); Likely benign (1). Last evaluated 2018-01-13.

Conditions:
Autosomal dominant nonsyndromic hearing loss 17. Also called: Autosomal dominant nonsyndromic deafness 17; Deafness, autosomal dominant 17. Identifiers: Orphanet 90635, MedGen C1863659, MONDO:0011350, OMIM 603622.
MYH9-related disorder. Identifiers: MedGen C1854520.

Allele frequency attached by ClinVar (database versions not stated): TOPMed 0.00027; 1000 Genomes Project 30x 0.00031; gnomAD 0.00035 and 0.00037; 1000 Genomes Project 0.00040.
gnomAD v4.1: 173 of 480,872 alleles (0.036%); highest among the groups gnomAD compares: Middle Eastern, 0.056%; 1 homozygote.

Submissions (2):

Illumina Laboratory Services, Illumina
Classification: Benign for MYH9-related disorder. Last evaluated: 2018-01-13. Review status: criteria provided, single submitter. Criteria: ICSL Variant Classification Criteria 13 December 2019. Collection method: clinical testing. Allele origin: germline.
Comment: This variant was observed in the ICSL laboratory as part of a predisposition screen in an ostensibly healthy population. It had not been previously curated by ICSL or reported in the Human Gene Mutation Database (HGMD: prior to June 1st, 2018), and was therefore a candidate for classification through an automated scoring system. Utilizing variant allele frequency, disease prevalence and penetrance estimates, and inheritance mode, an automated score was calculated to assess if this variant is too frequent to cause the disease. Based on the score and internal cut-off values, a variant classified as benign is not then subjected to further curation. The score for this variant resulted in a classification of benign for this disease.

Illumina Laboratory Services, Illumina
Classification: Likely benign for Autosomal dominant nonsyndromic hearing loss 17. Last evaluated: 2018-01-13. Review status: criteria provided, single submitter. Criteria: ICSL Variant Classification Criteria 13 December 2019. Collection method: clinical testing. Allele origin: germline.
Comment: This variant was observed in the ICSL laboratory as part of a predisposition screen in an ostensibly healthy population. It had not been previously curated by ICSL or reported in the Human Gene Mutation Database (HGMD: prior to June 1st, 2018), and was therefore a candidate for classification through an automated scoring system. Utilizing variant allele frequency, disease prevalence and penetrance estimates, and inheritance mode, an automated score was calculated to assess if this variant is too frequent to cause the disease. Based on the score and internal cut-off values, a variant classified as likely benign is not then subjected to further curation. The score for this variant resulted in a classification of likely benign for this disease.